The following is an entry in ClinVar:

ClinVar aggregate classification (germline): Pathogenic (1 of 4 stars; one submission).

Conditions:
Hereditary factor VIII deficiency disease (HEMA). Also called: HEMOPHILIA, CLASSIC; AUTOSOMAL HEMOPHILIA A; Hemophilia A; Hemophilia A, congenital; HEM A; Factor 8 deficiency, congenital. Identifiers: Orphanet 98878, MedGen C0019069, MONDO:0010602, OMIM 306700.

Submission:

Women's Health and Genetics/Laboratory Corporation of America, LabCorp
Classification: Pathogenic for Hereditary factor VIII deficiency disease. Last evaluated: 2025-12-26. Review status: criteria provided, single submitter. Criteria: LabCorp Variant Classification Summary - May 2015. Collection method: clinical testing. Allele origin: germline.
Comment: Variant summary: F8 c.6537_6541dupCACTC (p.Leu2181ProfsX7) results in a premature termination codon, predicted to cause a truncation of the encoded protein or absence of the protein due to nonsense mediated decay, which are commonly known mechanisms for disease. The variant was absent in 183342 control chromosomes. To our knowledge, no occurrence of c.6537_6541dupCACTC in individuals affected with F8-related conditions and no experimental evidence demonstrating its impact on protein function have been reported. No submitters have cited clinical-significance assessments for this variant to ClinVar. Based on the evidence outlined above, the variant was classified as pathogenic.

NM_000132.4(F8):c.6537_6541dup (p.Leu2181fs)

Gene: F8 (coagulation factor VIII; minus strand). Cytogenetic location: Xq28.
Variant type: Duplication.
Coding change: c.6537_6541dup on transcript NM_000132.4 (MANE Select); coding-DNA positions 6537 to 6541, 5 bases duplicated (CACTC; older notation c.6537_6541dupCACTC).
Protein change: p.Leu2181fs; shifts the reading frame from leucine 2181.
Molecular consequence: frameshift variant.
Genome position (GRCh38, 1-based): chrX:154,863,116-154,863,120, GAGTG duplicated on the plus strand (CACTC on the coding strand, the reverse complement: F8 is on the minus strand). VCF-style (leftmost placement, unchanged base first): chrX-154863115-A-AGAGTG. GRCh37 (hg19) VCF-style: chrX-154091390-A-AGAGTG.
Other names: c.132_136dup, p.Leu46fs (NM_019863.3); c.6537_6541dupCACTC (NM_000132.4); short protein forms L2181fs, L46fs.
Identifiers: ClinVar variation 4688783 (VCV004688783.1).